The following is an entry in ClinVar:

NM_178857.6(RP1L1):c.3914A>G (p.Glu1305Gly)

Gene: RP1L1 (RP1 like 1). Cytogenetic location: 8p23.1.
Variant type: single nucleotide variant.
Coding change: c.3914A>G on transcript NM_178857.6 (MANE Select); coding-DNA position 3914, A replaced by G.
Protein change: p.Glu1305Gly; replaces glutamic acid 1305 with glycine.
Molecular consequence: missense variant.
Genome position (GRCh38, 1-based): chr8:10,610,184, T>C on the plus strand (A>G on the coding strand, the complement: RP1L1 is on the minus strand). VCF-style: chr8-10610184-T-C. GRCh37 (hg19) VCF-style: chr8-10467694-T-C.
Other names: short protein forms E1305G.
Identifiers: ClinVar variation 909264 (VCV000909264.4), dbSNP rs762801175, ClinGen allele CA4624337.

ClinVar aggregate classification (germline): Benign (1 of 4 stars; one submission).

Conditions:
Occult macular dystrophy (OCMD). Also called: OMD; OCCULT MACULAR DYSTROPHY, SUSCEPTIBILITY TO. Identifiers: Orphanet 247834, MedGen C3150833, MONDO:0013316, OMIM 613587, HP:0030636.

Allele frequency attached by ClinVar (database versions not stated): gnomAD 0.00005.
gnomAD v4.1: 26 of 1,528,416 alleles (0.0017%); highest among the groups gnomAD compares: East Asian, 0.069%; no homozygotes.

Submission:

Illumina Laboratory Services, Illumina
Classification: Benign for Occult macular dystrophy. Last evaluated: 2018-01-13. Review status: criteria provided, single submitter. Criteria: ICSL Variant Classification Criteria 13 December 2019. Collection method: clinical testing. Allele origin: germline.
Comment: This variant was observed in the ICSL laboratory as part of a predisposition screen in an ostensibly healthy population. It had not been previously curated by ICSL or reported in the Human Gene Mutation Database (HGMD: prior to June 1st, 2018), and was therefore a candidate for classification through an automated scoring system. Utilizing variant allele frequency, disease prevalence and penetrance estimates, and inheritance mode, an automated score was calculated to assess if this variant is too frequent to cause the disease. Based on the score and internal cut-off values, a variant classified as benign is not then subjected to further curation. The score for this variant resulted in a classification of benign for this disease.